The following is an entry in ClinVar:

NM_001035.3(RYR2):c.5487G>T (p.Leu1829=)

Gene: RYR2 (ryanodine receptor 2; plus strand). Cytogenetic location: 1q43.
Variant type: single nucleotide variant.
Coding change: c.5487G>T on transcript NM_001035.3 (MANE Select); coding-DNA position 5487, G replaced by T.
Protein change: p.Leu1829=; no amino-acid change (leucine 1829 retained).
Molecular consequence: synonymous variant.
Genome position (GRCh38, 1-based): chr1:237,614,615, G>T. VCF-style: chr1-237614615-G-T. GRCh37 (hg19) VCF-style: chr1-237777915-G-T.
Other names: c.5487G>T, p.Leu1829= (LRG_402t1).
Identifiers: ClinVar variation 519276 (VCV000519276.18), dbSNP rs371250741, ClinGen allele CA086893.

ClinVar aggregate classification (germline): Likely benign. Review status: criteria provided, multiple submitters, no conflicts (2 of 4 stars). 4 submissions from 4 submitters: Likely benign (4). Last evaluated 2025-12-01.

Conditions:
Cardiovascular phenotype. Identifiers: MedGen CN230736.
Catecholaminergic polymorphic ventricular tachycardia (CVPT). Also called: Catecholamine-induced polymorphic ventricular tachycardia. Identifiers: Orphanet 3286, MedGen C5574922, MONDO:0017990.
Cardiomyopathy (CMYO). Also called: Cardiomyopathies. Identifiers: Orphanet 167848, MedGen C0878544, MONDO:0004994, HP:0001638. Inheritance: Various modes of inheritance.
Catecholaminergic polymorphic ventricular tachycardia 1. Also called: RYR2-Related Catecholaminergic Polymorphic Ventricular Tachycardia; VENTRICULAR TACHYCARDIA, CATECHOLAMINERGIC POLYMORPHIC, 1, WITH OR WITHOUT ATRIAL DYSFUNCTION AND/OR DILATED CARDIOMYOPATHY; VENTRICULAR TACHYCARDIA, STRESS-INDUCED POLYMORPHIC 1. Identifiers: Orphanet 3286, MedGen C1631597, MONDO:0011484, OMIM 604772.

Allele frequency attached by ClinVar (database versions not stated): gnomAD 0.00001; TOPMed 0.00001; gnomAD exomes 0.00003; ExAC 0.00004; ESP Exome Variant Server 0.00025.
gnomAD v4.1: 35 of 1,613,872 alleles (0.0022%); highest among the groups gnomAD compares: Non-Finnish European, 0.0028%; 1 homozygote.

Submissions (4):

Labcorp Genetics (formerly Invitae), Labcorp
Classification: Likely benign for Catecholaminergic polymorphic ventricular tachycardia 1. Last evaluated: 2025-12-01. Review status: criteria provided, single submitter. Criteria: Invitae Variant Classification Sherloc (09022015). Collection method: clinical testing. Allele origin: germline.

All of Us Research Program, National Institutes of Health
Classification: Likely benign for Catecholaminergic polymorphic ventricular tachycardia. Last evaluated: 2023-10-02. Review status: criteria provided, single submitter. Criteria: ACMG Guidelines, 2015. Collection method: clinical testing. Allele origin: germline. Inheritance: Autosomal dominant inheritance. Observed: 9 variant alleles, 9 heterozygotes.
Comment: This study involves interpretation of variants in research participants for the purpose of population health screening. Participant phenotype was not available at the time of variant classification. Additional details can be found in publication PMID: 35346344, PMCID: PMC8962531

Color Diagnostics, LLC DBA Color Health
Classification: Likely benign for Cardiomyopathy. Last evaluated: 2019-06-22. Review status: criteria provided, single submitter. Criteria: ACMG Guidelines, 2015. Collection method: clinical testing. Allele origin: germline.

Ambry Genetics
Classification: Likely benign for Cardiovascular phenotype. Last evaluated: 2016-06-16. Review status: criteria provided, single submitter. Criteria: Ambry Variant Classification Scheme 2023. Collection method: clinical testing. Allele origin: germline.